The following is an entry in ClinVar:

NM_003242.6(TGFBR2):c.263+6C>T

Gene: TGFBR2 (transforming growth factor beta receptor 2; plus strand). Cytogenetic location: 3p24.1.
Variant type: single nucleotide variant.
Coding change: c.263+6C>T on transcript NM_003242.6 (MANE Select); 6 bases into the intron after coding-DNA position 263, C replaced by T.
Molecular consequence: intron variant.
Genome position (GRCh38, 1-based): chr3:30,644,921, C>T. VCF-style: chr3-30644921-C-T. GRCh37 (hg19) VCF-style: chr3-30686413-C-T.
Other names: c.263+6C>T (NM_003242.5, NM_001407127.1, NM_001407130.1); c.158+6C>T (NM_001407129.1, NM_001407132.1, NM_001407136.1 and 3 more transcripts); c.338+6C>T (NM_001407126.1, NM_001024847.3, NM_001407139.1); c.169+21648C>T (NM_001407137.1); c.95-26717C>T (NM_001407138.1); c.290+6C>T (NM_001407128.1).
Identifiers: ClinVar variation 1678820 (VCV001678820.5), dbSNP rs758501054, ClinGen allele CA047715.

ClinVar aggregate classification (germline): Conflicting classifications of pathogenicity. Review status: criteria provided, conflicting classifications (1 of 4 stars). 3 submissions from 3 submitters: Uncertain significance (2); Likely benign (1). Last evaluated 2025-06-26.

Conditions:
TGFBR2-related disorder. Also called: TGFBR2-related condition.

Allele frequency attached by ClinVar (database versions not stated): gnomAD exomes below 0.00001 and 0.00001; ExAC 0.00001; TOPMed 0.00001.
gnomAD v4.1: 6 of 1,613,068 alleles (0.00037%); highest among the groups gnomAD compares: South Asian, 0.0033%; no homozygotes.

Submissions (3):

PreventionGenetics, part of Exact Sciences
Classification: Uncertain significance for TGFBR2-related condition. Last evaluated: 2025-06-26. Review status: criteria provided, single submitter. Criteria: ACMG Guidelines, 2015. Collection method: clinical testing. Allele origin: germline.
Comment: The TGFBR2 c.263+6C>T variant is predicted to interfere with splicing. This variant has been reported in two family members with Loeys-Dietz syndrome. cDNA analysis found this variant resulted in aberrant splicing that was predicted to result in a frameshift and premature protein truncation (Table S2, Camerota et al. 2019. PubMed ID: 31569402). This variant is reported in 0.0065% of alleles in individuals of South Asian descent in gnomAD. At this time, the clinical significance of this variant is uncertain due to the absence of conclusive functional and genetic evidence.

Blueprint Genetics
Classification: Uncertain significance. Last evaluated: 2019-12-20. Review status: criteria provided, single submitter. Criteria: ACMG Guidelines, 2015. Collection method: clinical testing. Allele origin: germline.

GeneDx
Classification: Likely benign. Last evaluated: 2019-05-29. Review status: criteria provided, single submitter. Criteria: GeneDx Variant Classification Process June 2021. Collection method: clinical testing. Allele origin: germline. Affected: yes.
Comment: See Variant Classification Assertion Criteria.